The following is an entry in ClinVar:

ClinVar aggregate classification (germline): Uncertain significance (1 of 4 stars; one submission).

Submission:

Labcorp Genetics (formerly Invitae), Labcorp
Classification: Uncertain significance. Last evaluated: 2021-10-06. Review status: criteria provided, single submitter. Criteria: Invitae Variant Classification Sherloc (09022015). Collection method: clinical testing. Allele origin: germline.
Comment: This variant has not been reported in the literature in individuals affected with PCLO-related conditions. This variant is not present in population databases (ExAC no frequency). This sequence change replaces cysteine with serine at codon 5033 of the PCLO protein (p.Cys5033Ser). The cysteine residue is weakly conserved and there is a moderate physicochemical difference between cysteine and serine. In summary, the available evidence is currently insufficient to determine the role of this variant in disease. Therefore, it has been classified as a Variant of Uncertain Significance. Algorithms developed to predict the effect of sequence changes on RNA splicing suggest that this variant may create or strengthen a splice site. Algorithms developed to predict the effect of missense changes on protein structure and function are either unavailable or do not agree on the potential impact of this missense change (SIFT: "Deleterious"; PolyPhen-2: "Not Available"; Align-GVGD: "Class C0").

NM_033026.6(PCLO):c.15097T>A (p.Cys5033Ser)

Gene: PCLO (piccolo presynaptic cytomatrix protein; minus strand). Cytogenetic location: 7q21.11.
Variant type: single nucleotide variant.
Coding change: c.15097T>A on transcript NM_033026.6 (MANE Select); coding-DNA position 15097, T replaced by A.
Protein change: p.Cys5033Ser; replaces cysteine 5033 with serine.
Molecular consequence: missense variant.
Genome position (GRCh38, 1-based): chr7:82,761,404, A>T on the plus strand (T>A on the coding strand, the complement: PCLO is on the minus strand). VCF-style: chr7-82761404-A-T. GRCh37 (hg19) VCF-style: chr7-82390720-A-T.
Other names: short protein forms C5033S.
Identifiers: ClinVar variation 1468625 (VCV001468625.6), dbSNP rs2129467560, ClinGen allele CA368020046.